The following is an entry in ClinVar:

ClinVar aggregate classification (germline): Uncertain significance (1 of 4 stars; one submission).

Submission:

Labcorp Genetics (formerly Invitae), Labcorp
Classification: Uncertain significance. Last evaluated: 2025-04-27. Review status: criteria provided, single submitter. Criteria: Invitae Variant Classification Sherloc (09022015). Collection method: clinical testing. Allele origin: germline.
Comment: This sequence change replaces valine, which is neutral and non-polar, with methionine, which is neutral and non-polar, at codon 61 of the EPOR protein (p.Val61Met). This variant is not present in population databases (gnomAD no frequency). This variant has not been reported in the literature in individuals affected with EPOR-related conditions. An algorithm developed to predict the effect of missense changes on protein structure and function (PolyPhen-2) suggests that this variant is likely to be disruptive. In summary, the available evidence is currently insufficient to determine the role of this variant in disease. Therefore, it has been classified as a Variant of Uncertain Significance.

NM_000121.4(EPOR):c.181G>A (p.Val61Met)

Gene: EPOR (erythropoietin receptor; minus strand). Cytogenetic location: 19p13.2.
Variant type: single nucleotide variant.
Coding change: c.181G>A on transcript NM_000121.4 (MANE Select); coding-DNA position 181, G replaced by A.
Protein change: p.Val61Met; replaces valine 61 with methionine.
Molecular consequence: missense variant. On other transcripts: non-coding transcript variant (1).
Genome position (GRCh38, 1-based): chr19:11,383,167, C>T on the plus strand (G>A on the coding strand, the complement: EPOR is on the minus strand). VCF-style: chr19-11383167-C-T. GRCh37 (hg19) VCF-style: chr19-11493843-C-T.
Other names: short protein forms V61M.
Identifiers: ClinVar variation 4718466 (VCV004718466.1).